The following is an entry in ClinVar:

ClinVar aggregate classification (germline): Benign. Review status: criteria provided, multiple submitters, no conflicts (2 of 4 stars). 3 submissions from 2 submitters: Benign (3). Last evaluated 2018-01-12.

Conditions:
Angiokeratoma corporis diffusum with arteriovenous fistulas. Identifiers: MedGen C1838141, MONDO:0010885, OMIM 600419.
Cerebral cavernous malformation (CCM). Also called: CAVERNOUS ANGIOMA, FAMILIAL; CAVERNOUS ANGIOMATOUS MALFORMATIONS; CEREBRAL CAPILLARY MALFORMATIONS; Cavernous Hemangioma of Brain; Cerebral cavernous hemangioma (type); Cerebral cavernous malformations. Identifiers: Orphanet 221061, MedGen C2919945, MONDO:0000820, OMIM 116860, HP:0033522.

Allele frequency attached by ClinVar (database versions not stated): 1000 Genomes Project 0.01058; 1000 Genomes Project 30x 0.01156; TOPMed 0.02092; gnomAD 0.02224 and 0.02314; gnomAD exomes 0.02262.
gnomAD v4.1: 7,146 of 317,122 alleles (2.3%); highest among the groups gnomAD compares: Non-Finnish European, 3.2%; 139 homozygotes.

Submissions (3):

Illumina Laboratory Services, Illumina
Classification: Benign for Angiokeratoma corporis diffusum with arteriovenous fistulas. Last evaluated: 2018-01-12. Review status: criteria provided, single submitter. Criteria: ICSL Variant Classification Criteria 13 December 2019. Collection method: clinical testing. Allele origin: germline.
Comment: This variant was observed in the ICSL laboratory as part of a predisposition screen in an ostensibly healthy population. It had not been previously curated by ICSL or reported in the Human Gene Mutation Database (HGMD: prior to June 1st, 2018), and was therefore a candidate for classification through an automated scoring system. Utilizing variant allele frequency, disease prevalence and penetrance estimates, and inheritance mode, an automated score was calculated to assess if this variant is too frequent to cause the disease. Based on the score and internal cut-off values, a variant classified as benign is not then subjected to further curation. The score for this variant resulted in a classification of benign for this disease.

Illumina Laboratory Services, Illumina
Classification: Benign for Cerebral cavernous malformation. Last evaluated: 2018-01-12. Review status: criteria provided, single submitter. Criteria: ICSL Variant Classification Criteria 13 December 2019. Collection method: clinical testing. Allele origin: germline.
Comment: the same text as in the submission from Illumina Laboratory Services, Illumina above.

Breakthrough Genomics
Classification: Benign. Review status: criteria provided, single submitter. Criteria: ACMG Guidelines, 2015. Collection method: not provided. Allele origin: germline. Inheritance: Autosomal dominant inheritance. Affected: yes.

NM_194454.3(KRIT1):c.*320C>T

Gene: KRIT1 (KRIT1 ankyrin repeat containing; minus strand). Cytogenetic location: 7q21.2.
Variant type: single nucleotide variant.
Coding change: c.*320C>T on transcript NM_194454.3 (MANE Select); 320 bases downstream of the stop codon, C replaced by T.
Molecular consequence: 3 prime UTR variant.
Genome position (GRCh38, 1-based): chr7:92,200,416, G>A on the plus strand (C>T on the coding strand, the complement: KRIT1 is on the minus strand). VCF-style: chr7-92200416-G-A. GRCh37 (hg19) VCF-style: chr7-91829730-G-A.
Other names: c.*320C>T (NM_001013406.2, NM_001350669.1, NM_001350670.1 and 30 more transcripts).
Identifiers: ClinVar variation 360875 (VCV000360875.6), dbSNP rs112567410, ClinGen allele CA10624377.
Genomic context (GRCh38, chr7:92,200,416, plus strand): 5'-AATTTTTTTTTTTTTTTGAGATGGAGTCTTGCTGTGTCACCCAGGCTAGCGTGCCGTGGT[G>A]CAATCTTGGCTCACTACAACCTCCACCTCCTGGGTTTAAGCGATCTCCCACCTTGGCCTC-3'